The following is an entry in ClinVar:

NM_002432.3(MNDA):c.22A>G (p.Ile8Val)

Gene: MNDA (myeloid cell nuclear differentiation antigen; plus strand). Cytogenetic location: 1q23.1.
Variant type: single nucleotide variant.
Coding change: c.22A>G on transcript NM_002432.3 (MANE Select); coding-DNA position 22, A replaced by G.
Protein change: p.Ile8Val; replaces isoleucine 8 with valine.
Molecular consequence: missense variant.
Genome position (GRCh38, 1-based): chr1:158,842,175, A>G. VCF-style: chr1-158842175-A-G. GRCh37 (hg19) VCF-style: chr1-158811965-A-G.
Other names: short protein forms I8V.
Identifiers: ClinVar variation 3295432 (VCV003295432.1).

ClinVar aggregate classification (germline): Uncertain significance (1 of 4 stars; one submission).

Submission:

Ambry Genetics
Classification: Uncertain significance. Last evaluated: 2024-03-15. Review status: criteria provided, single submitter. Criteria: Ambry Variant Classification Scheme 2023. Collection method: clinical testing. Allele origin: germline.
Comment: The p.I8V variant (also known as c.22A>G), located in coding exon 1 of the MNDA gene, results from an A to G substitution at nucleotide position 22. The isoleucine at codon 8 is replaced by valine, an amino acid with highly similar properties. This amino acid position is conserved. In addition, this alteration is predicted to be tolerated by in silico analysis. Based on the available evidence, the clinical significance of this alteration remains unclear.